The following is an entry in ClinVar:

NM_001023.4(RPS20):c.115T>C (p.Leu39=)

Gene: RPS20 (ribosomal protein S20; minus strand). Cytogenetic location: 8q12.1.
Variant type: single nucleotide variant.
Coding change: c.115T>C on transcript NM_001023.4 (MANE Select); coding-DNA position 115, T replaced by C.
Protein change: p.Leu39=; no amino-acid change (leucine 39 retained).
Molecular consequence: synonymous variant.
Genome position (GRCh38, 1-based): chr8:56,073,757, A>G on the plus strand (T>C on the coding strand, the complement: RPS20 is on the minus strand). VCF-style: chr8-56073757-A-G. GRCh37 (hg19) VCF-style: chr8-56986316-A-G.
Other names: c.115T>C, p.Leu39= (NM_001146227.3).
Identifiers: ClinVar variation 3435319 (VCV003435319.2).
Genomic context (GRCh38, chr8:56,073,757, plus strand): 5'-TGGTAGGCATTCGAACTGGTCCTTTCACTTTGAGATTCTTTTCTTTTGCGCCTCTTATCA[A>G]GTCAGCACACACTACAGGAAATAAAAGACCTCTCAGTATAATCGAAACAATTAAAATCGG-3'
Protein context (NP_001014.1, residues 29-49): VKSLEKVCAD[Leu39=]IRGAKEKNLK

ClinVar aggregate classification (germline): Benign/Likely benign. Review status: criteria provided, multiple submitters, no conflicts (2 of 4 stars). 2 submissions from 2 submitters: Benign (1); Likely benign (1). Last evaluated 2026-08-03.

Conditions:
Familial colorectal cancer type X. Identifiers: Orphanet 440437, MedGen C3896578, MONDO:0018604.

gnomAD v4.1: 1 of 1,614,094 alleles (0.000062%); highest among the groups gnomAD compares: Non-Finnish European, 0.000085%; no homozygotes.

Submissions (2):

Myriad Genetics, Inc.
Classification: Benign for Familial colorectal cancer type X. Last evaluated: 2026-08-03. Review status: criteria provided, single submitter. Criteria: Myriad Autosomal Dominant, Autosomal Recessive and X-Linked Classification Criteria (2023). Collection method: clinical testing. Allele origin: unknown.
Comment: This variant is considered benign. This variant is a silent/synonymous amino acid change and it is not expected to impact splicing.

Ambry Genetics
Classification: Likely benign. Last evaluated: 2024-11-24. Review status: criteria provided, single submitter. Criteria: Ambry Variant Classification Scheme 2023. Collection method: clinical testing. Allele origin: germline.